The following is an entry in ClinVar:

ClinVar aggregate classification (germline): Uncertain significance (1 of 4 stars; one submission).

Submission:

Women's Health and Genetics/Laboratory Corporation of America, LabCorp
Classification: Uncertain significance. Last evaluated: 2026-03-05. Review status: criteria provided, single submitter. Criteria: LabCorp Variant Classification Summary - May 2015. Collection method: clinical testing. Allele origin: germline.
Comment: Variant summary: PROP1 c.464A>G (p.Tyr155Cys) results in a non-conservative amino acid change in the encoded protein sequence. Algorithms developed to predict the effect of missense changes on protein structure and function are either unavailable or do not agree on the potential impact of this missense change. The variant allele was found at a frequency of 1.2e-05 in 250944 control chromosomes. The available data on variant occurrences in the general population are insufficient to allow any conclusion about variant significance. To our knowledge, no occurrence of c.464A>G in individuals affected with PROP1-related conditions and no experimental evidence demonstrating its impact on protein function have been reported. ClinVar contains an entry for this variant (Variation ID: 4526114). Based on the evidence outlined above, the variant was classified as uncertain significance.

NM_006261.5(PROP1):c.464A>G (p.Tyr155Cys)

Gene: PROP1 (PROP paired-like homeobox 1; minus strand). Cytogenetic location: 5q35.3.
Variant type: single nucleotide variant.
Coding change: c.464A>G on transcript NM_006261.5 (MANE Select); coding-DNA position 464, A replaced by G.
Protein change: p.Tyr155Cys; replaces tyrosine 155 with cysteine.
Molecular consequence: missense variant.
Genome position (GRCh38, 1-based): chr5:177,992,926, T>C on the plus strand (A>G on the coding strand, the complement: PROP1 is on the minus strand). VCF-style: chr5-177992926-T-C. GRCh37 (hg19) VCF-style: chr5-177419927-T-C.
Other names: short protein forms Y155C.
Identifiers: ClinVar variation 4526114 (VCV004526114.2).
Genomic context (GRCh38, chr5:177,992,926, plus strand): 5'-AGGGCATGGCTGTAGGGGTGAGGGAAGCAGGTCACTGGTGGTGGTGGTGCTGCGTAAGAA[T>C]AGGGGCAAGCAGTGGACTCTGGCAAGAAGCTGGAAAAGGCGGCAGGAGACAGATGGGCCA-3'
Protein context (NP_006252.4, residues 145-165): SFLPESTACP[Tyr155Cys]SYAAPPPPVT